The following is an entry in ClinVar:

NM_000455.5(STK11):c.310A>G (p.Arg104Gly)

Gene: STK11 (serine/threonine kinase 11; plus strand). Cytogenetic location: 19p13.3.
Variant type: single nucleotide variant.
Coding change: c.310A>G on transcript NM_000455.5 (MANE Select); coding-DNA position 310, A replaced by G.
Protein change: p.Arg104Gly; replaces arginine 104 with glycine.
Molecular consequence: missense variant.
Genome position (GRCh38, 1-based): chr19:1,218,436, A>G. VCF-style: chr19-1218436-A-G. GRCh37 (hg19) VCF-style: chr19-1218435-A-G.
Other names: p.R104G:AGG>GGG; short protein forms R104G.
Identifiers: ClinVar variation 182905 (VCV000182905.24), dbSNP rs587782783, ClinGen allele CA022810.
Genomic context (GRCh38, chr19:1,218,436, plus strand): 5'-ACGTTGGGTCGGCTGATACACCCCTGTCCTCTCTGTCCCAGGGAAATTCAACTACTGAGG[A>G]GGTTACGGCACAAAAATGTCATCCAGCTGGTGGATGTGTTATACAACGAAGAGAAGCAGA-3'
Protein context (NP_000446.1, residues 94-114): NVKKEIQLLR[Arg104Gly]LRHKNVIQLV

ClinVar aggregate classification (germline): Conflicting classifications of pathogenicity. Review status: criteria provided, conflicting classifications (1 of 4 stars). 7 submissions from 7 submitters: Uncertain significance (3); Benign (1); Likely benign (1). 2 of the submissions do not count toward it. Last evaluated 2025-10-29.

Conditions:
STK11-related disorder. Also called: STK11-related condition.
Hereditary cancer-predisposing syndrome. Also called: Tumor predisposition; Hereditary Cancer Syndrome; Hereditary neoplastic syndrome; Neoplastic Syndromes, Hereditary. Identifiers: Orphanet 140162, MedGen C0027672, MeSH D009386, MONDO:0015356.
Peutz-Jeghers syndrome (PJS). Also called: POLYPOSIS, HAMARTOMATOUS INTESTINAL; POLYPS-AND-SPOTS SYNDROME; Peutz-Jeghers polyposis; Periorificial lentiginosis syndrome. Identifiers: Orphanet 2869, MedGen C0031269, MeSH D010580, MONDO:0008280, OMIM 175200.

Allele frequency attached by ClinVar (database versions not stated): ExAC 0.00001; gnomAD exomes 0.00002.
gnomAD v4.1: 6 of 1,613,624 alleles (0.00037%); highest among the groups gnomAD compares: Non-Finnish European, 0.00051%; no homozygotes.

Submissions (7):

Labcorp Genetics (formerly Invitae), Labcorp
Classification: Benign for Peutz-Jeghers syndrome. Last evaluated: 2025-10-29. Review status: criteria provided, single submitter. Criteria: Invitae Variant Classification Sherloc (09022015). Collection method: clinical testing. Allele origin: germline.

Myriad Genetics, Inc.
Classification: Uncertain significance for Peutz-Jeghers syndrome. Last evaluated: 2023-04-13. Review status: criteria provided, single submitter. Criteria: Myriad Autosomal Dominant, Autosomal Recessive and X-Linked Classification Criteria (2023). Collection method: clinical testing. Allele origin: unknown.
Comment: This variant is classified as a variant of uncertain significance as there is insufficient evidence to determine its impact on protein function and/or cancer risk.

Ambry Genetics
Classification: Likely benign for Hereditary cancer-predisposing syndrome. Last evaluated: 2023-01-27. Review status: criteria provided, single submitter. Criteria: Ambry Variant Classification Scheme 2023. Collection method: clinical testing. Allele origin: germline.

Genome-Nilou Lab
Classification: Uncertain significance for Peutz-Jeghers syndrome. Last evaluated: 2021-07-15. Review status: criteria provided, single submitter. Criteria: ACMG Guidelines, 2015. Collection method: clinical testing. Allele origin: germline. Affected: no.

GeneDx
Classification: Uncertain significance. Last evaluated: 2021-06-17. Review status: criteria provided, single submitter. Criteria: GeneDx Variant Classification Process June 2021. Collection method: clinical testing. Allele origin: germline. Affected: yes.
Comment: Not observed at significant frequency in large population cohorts (Lek 2016); In silico analysis supports that this missense variant has a deleterious effect on protein structure/function; Has not been previously published as pathogenic or benign to our knowledge; This variant is associated with the following publications: (PMID: 27535533, 15863673)

PreventionGenetics, part of Exact Sciences
Classification: Uncertain significance for STK11-related condition. Last evaluated: 2024-02-22. Review status: no assertion criteria provided. Collection method: clinical testing. Allele origin: germline. Not counted in ClinVar's aggregate classification.
Comment: The STK11 c.310A>G variant is predicted to result in the amino acid substitution p.Arg104Gly. To our knowledge, this variant has not been reported in the literature. This variant is reported in 0.0035% of alleles in individuals of European (Non-Finnish) descent in gnomAD and has conflicting interpretations regarding its pathogenicity in Clinvar, ranging from uncertain significance to likely benign. At this time, the clinical significance of this variant is uncertain due to the absence of conclusive functional and genetic evidence.

Counsyl
Classification: Uncertain significance for Peutz-Jeghers syndrome. Last evaluated: 2016-09-26. Review status: no assertion criteria provided. Collection method: clinical testing. Allele origin: unknown. Not counted in ClinVar's aggregate classification.